The following is an entry in ClinVar:

ClinVar aggregate classification (germline): Uncertain significance (1 of 4 stars; one submission).

Conditions:
D-2-hydroxyglutaric aciduria 2 (D2HGA2). Identifiers: Orphanet 79315, MedGen C3150909, MONDO:0013345, OMIM 613657.

Allele frequency attached by ClinVar (database versions not stated): gnomAD exomes 0.00001 and 0.00003; ExAC 0.00002; 1000 Genomes Project 30x 0.00016; 1000 Genomes Project 0.00020.
gnomAD v4.1: 17 of 1,614,194 alleles (0.0011%); highest among the groups gnomAD compares: East Asian, 0.018%; no homozygotes.

Submission:

Labcorp Genetics (formerly Invitae), Labcorp
Classification: Uncertain significance for D-2-hydroxyglutaric aciduria 2. Last evaluated: 2023-05-22. Review status: criteria provided, single submitter. Criteria: Invitae Variant Classification Sherloc (09022015). Collection method: clinical testing. Allele origin: germline.
Comment: This sequence change replaces arginine, which is basic and polar, with tryptophan, which is neutral and slightly polar, at codon 188 of the IDH2 protein (p.Arg188Trp). In summary, the available evidence is currently insufficient to determine the role of this variant in disease. Therefore, it has been classified as a Variant of Uncertain Significance. Advanced modeling of protein sequence and biophysical properties (such as structural, functional, and spatial information, amino acid conservation, physicochemical variation, residue mobility, and thermodynamic stability) has been performed at Invitae for this missense variant, however the output from this modeling did not meet the statistical confidence thresholds required to predict the impact of this variant on IDH2 protein function. ClinVar contains an entry for this variant (Variation ID: 1497933). This variant has not been reported in the literature in individuals affected with IDH2-related conditions. This variant is present in population databases (rs541249526, gnomAD 0.03%).

NM_002168.4(IDH2):c.562C>T (p.Arg188Trp)

Gene: IDH2 (isocitrate dehydrogenase (NADP(+)) 2; minus strand). Cytogenetic location: 15q26.1.
Variant type: single nucleotide variant.
Coding change: c.562C>T on transcript NM_002168.4 (MANE Select); coding-DNA position 562, C replaced by T.
Protein change: p.Arg188Trp; replaces arginine 188 with tryptophan.
Molecular consequence: missense variant.
Genome position (GRCh38, 1-based): chr15:90,088,475, G>A on the plus strand (C>T on the coding strand, the complement: IDH2 is on the minus strand). VCF-style: chr15-90088475-G-A. GRCh37 (hg19) VCF-style: chr15-90631707-G-A.
Other names: c.406C>T, p.Arg136Trp (NM_001289910.1); c.172C>T, p.Arg58Trp (NM_001290114.2); short protein forms R58W, R136W, R188W.
Identifiers: ClinVar variation 1497933 (VCV001497933.8), dbSNP rs541249526, ClinGen allele CA7733141.